The following is an entry in ClinVar:

NM_001025295.3(IFITM5):c.95C>T (p.Pro32Leu)

Gene: IFITM5 (interferon induced transmembrane protein 5; minus strand). Cytogenetic location: 11p15.5.
Variant type: single nucleotide variant.
Coding change: c.95C>T on transcript NM_001025295.3 (MANE Select); coding-DNA position 95, C replaced by T.
Protein change: p.Pro32Leu; replaces proline 32 with leucine.
Molecular consequence: missense variant.
Genome position (GRCh38, 1-based): chr11:299,396, G>A on the plus strand (C>T on the coding strand, the complement: IFITM5 is on the minus strand). VCF-style: chr11-299396-G-A. GRCh37 (hg19) VCF-style: chr11-299396-G-A.
Other names: c.95C>T (NM_001025295.2); short protein forms P32L.
Identifiers: ClinVar variation 1532377 (VCV001532377.11), dbSNP rs142041432, ClinGen allele CA5773493.

ClinVar aggregate classification (germline): Likely benign. Review status: criteria provided, multiple submitters, no conflicts (2 of 4 stars). 4 submissions from 4 submitters: Likely benign (3). 1 of the submissions does not count toward it. Last evaluated 2026-01-26.

Conditions:
IFITM5-related disorder. Also called: IFITM5-related condition.

Allele frequency attached by ClinVar (database versions not stated): 1000 Genomes Project 0.00020; ExAC 0.00051; 1000 Genomes Project 30x 0.00062; ESP Exome Variant Server 0.00070.
gnomAD v4.1: 335 of 1,569,932 alleles (0.021%); highest among the groups gnomAD compares: African/African-American, 0.26%; 1 homozygote.

Submissions (4):

Labcorp Genetics (formerly Invitae), Labcorp
Classification: Likely benign. Last evaluated: 2026-01-26. Review status: criteria provided, single submitter. Criteria: Invitae Variant Classification Sherloc (09022015). Collection method: clinical testing. Allele origin: germline.

Blueprint Genetics
Classification: Likely benign. Last evaluated: 2024-11-13. Review status: criteria provided, single submitter. Criteria: ACMG Guidelines, 2015. Collection method: clinical testing. Allele origin: germline.

Breakthrough Genomics
Classification: Likely benign. Review status: criteria provided, single submitter. Criteria: ACMG Guidelines, 2015. Collection method: not provided. Allele origin: germline. Inheritance: Autosomal dominant inheritance. Affected: yes.

PreventionGenetics, part of Exact Sciences
Classification: Likely benign for IFITM5-related condition. Last evaluated: 2019-07-15. Review status: no assertion criteria provided. Collection method: clinical testing. Allele origin: germline. Not counted in ClinVar's aggregate classification.
Comment: This variant is classified as likely benign based on ACMG/AMP sequence variant interpretation guidelines (Richards et al. 2015 PMID: 25741868, with internal and published modifications).